The following is an entry in ClinVar:

ClinVar aggregate classification (germline): Uncertain significance (1 of 4 stars; one submission).

Conditions:
Hereditary cancer-predisposing syndrome. Also called: Neoplastic Syndromes, Hereditary; Tumor predisposition; Hereditary Cancer Syndrome; Hereditary neoplastic syndrome. Identifiers: Orphanet 140162, MedGen C0027672, MeSH D009386, MONDO:0015356.

Submission:

Ambry Genetics
Classification: Uncertain significance for Hereditary cancer-predisposing syndrome. Last evaluated: 2017-09-18. Review status: criteria provided, single submitter. Criteria: Ambry Variant Classification Scheme 2023. Collection method: clinical testing. Allele origin: germline.
Comment: The c.4946delG variant, located in coding exon 34 of the SMARCA4 gene, results from a deletion of one nucleotide at nucleotide position 4946, causing a translational frameshift with a predicted alternate stop codon (p.S1649Tfs*10). Frameshifts are typically deleterious in nature, however, this frameshift occurs at the 3' terminus of SMARCA4, is not expected to trigger nonsense-mediated mRNA decay, and impacts only the last 31 amino acids of the protein. The exact functional impact of these altered amino acids is unknown at this time. Since supporting evidence is limited at this time, the clinical significance of this alteration remains unclear.

NM_003072.5(SMARCA4):c.4850del (p.Ser1617fs)

Gene: SMARCA4 (SWI/SNF related BAF chromatin remodeling complex subunit ATPase 4; plus strand). Cytogenetic location: 19p13.2.
Variant type: Deletion.
Coding change: c.4850del on transcript NM_003072.5 (MANE Select); coding-DNA position 4850, one base deleted (G; older notation c.4850delG).
Protein change: p.Ser1617fs; shifts the reading frame from serine 1617.
Molecular consequence: frameshift variant. On other transcripts: non-coding transcript variant (1).
Genome position (GRCh38, 1-based): chr19:11,060,126, G deleted. VCF-style (leftmost placement, unchanged base first): chr19-11060125-AG-A. GRCh37 (hg19) VCF-style: chr19-11170801-AG-A.
Other names: c.4850del, p.Ser1617fs (NM_001128844.3); c.4760del, p.Ser1587fs (NM_001128845.2); c.4757del, p.Ser1586fs (NM_001128846.2); c.4751del, p.Ser1584fs (NM_001128847.4, NM_001374457.1); c.4748del, p.Ser1583fs (NM_001128848.2); c.4946del, p.Ser1649fs (NM_001128849.3, NM_001387283.1); short protein forms S1584fs, S1586fs, S1649fs, S1583fs, S1587fs, S1617fs.
Identifiers: ClinVar variation 484989 (VCV000484989.5), dbSNP rs1555796306, ClinGen allele CA658658777.